The following is an entry in ClinVar:

ClinVar aggregate classification (germline): Likely benign (1 of 4 stars; one submission).

gnomAD v4.1: 54 of 1,614,020 alleles (0.0033%); highest among the groups gnomAD compares: Middle Eastern, 0.066%; no homozygotes.

Submission:

CeGaT Center for Human Genetics Tuebingen
Classification: Likely benign. Last evaluated: 2025-10-01. Review status: criteria provided, single submitter. Criteria: CeGaT Center For Human Genetics Tuebingen Variant Classification Criteria Version 2. Collection method: clinical testing. Allele origin: germline. Affected: yes. Observed: 1 variant allele.
Comment: LRP1: BP4, BP7

NM_002332.3(LRP1):c.2664C>A (p.Ala888=)

Gene: LRP1 (LDL receptor related protein 1; plus strand). Cytogenetic location: 12q13.3.
Variant type: single nucleotide variant.
Coding change: c.2664C>A on transcript NM_002332.3 (MANE Select); coding-DNA position 2664, C replaced by A.
Protein change: p.Ala888=; no amino-acid change (alanine 888 retained).
Molecular consequence: synonymous variant.
Genome position (GRCh38, 1-based): chr12:57,165,938, C>A. VCF-style: chr12-57165938-C-A. GRCh37 (hg19) VCF-style: chr12-57559721-C-A.
Identifiers: ClinVar variation 4534006 (VCV004534006.6).